The following is an entry in ClinVar:

NM_001349253.2(SCN11A):c.1985A>G (p.Gln662Arg)

Gene: SCN11A (sodium voltage-gated channel alpha subunit 11; minus strand). Cytogenetic location: 3p22.2.
Variant type: single nucleotide variant.
Coding change: c.1985A>G on transcript NM_001349253.2 (MANE Select); coding-DNA position 1985, A replaced by G.
Protein change: p.Gln662Arg; replaces glutamine 662 with arginine.
Molecular consequence: missense variant.
Genome position (GRCh38, 1-based): chr3:38,899,931, T>C on the plus strand (A>G on the coding strand, the complement: SCN11A is on the minus strand). VCF-style: chr3-38899931-T-C. GRCh37 (hg19) VCF-style: chr3-38941422-T-C.
Other names: c.1985A>G, p.Gln662Arg (NM_014139.3); short protein forms Q662R.
Identifiers: ClinVar variation 1914493 (VCV001914493.5), dbSNP rs879148699, ClinGen allele CA72960394.

ClinVar aggregate classification (germline): Uncertain significance (1 of 4 stars; one submission).

Conditions:
Hereditary sensory and autonomic neuropathy type 7. Also called: Neuropathy, hereditary sensory and autonomic, type VII; HSAN VII. Identifiers: Orphanet 391397, MedGen C3809882, MONDO:0014244, OMIM 615548.
Familial episodic pain syndrome with predominantly lower limb involvement. Also called: Episodic pain syndrome, familial, 3. Identifiers: Orphanet 391384, Orphanet 391392, MedGen C3809899, MONDO:0014247, OMIM 615552.

Allele frequency attached by ClinVar (database versions not stated): gnomAD exomes below 0.00001; gnomAD 0.00001.
gnomAD v4.1: 3 of 1,613,914 alleles (0.00019%); highest among the groups gnomAD compares: South Asian, 0.0033%; no homozygotes.

Submission:

Labcorp Genetics (formerly Invitae), Labcorp
Classification: Uncertain significance for Familial episodic pain syndrome with predominantly lower limb involvement; Hereditary sensory and autonomic neuropathy type 7. Last evaluated: 2021-12-29. Review status: criteria provided, single submitter. Criteria: Invitae Variant Classification Sherloc (09022015). Collection method: clinical testing. Allele origin: germline.
Comment: This variant is not present in population databases (gnomAD no frequency). In summary, the available evidence is currently insufficient to determine the role of this variant in disease. Therefore, it has been classified as a Variant of Uncertain Significance. Algorithms developed to predict the effect of missense changes on protein structure and function (SIFT, PolyPhen-2, Align-GVGD) all suggest that this variant is likely to be tolerated. This variant has not been reported in the literature in individuals affected with SCN11A-related conditions. This sequence change replaces glutamine, which is neutral and polar, with arginine, which is basic and polar, at codon 662 of the SCN11A protein (p.Gln662Arg).